The following is an entry in ClinVar:

ClinVar aggregate classification (germline): Uncertain significance (1 of 4 stars; one submission).

Conditions:
Familial adenomatous polyposis 1 (FAP1). Also called: FAMILIAL ADENOMATOUS POLYPOSIS 1, ATTENUATED; POLYPOSIS, ADENOMATOUS INTESTINAL. Identifiers: MedGen C2713442, MONDO:0021056, OMIM 175100. Disease mechanism: loss of function.

Submission:

Labcorp Genetics (formerly Invitae), Labcorp
Classification: Uncertain significance for Familial adenomatous polyposis 1. Last evaluated: 2025-01-02. Review status: criteria provided, single submitter. Criteria: Invitae Variant Classification Sherloc (09022015). Collection method: clinical testing. Allele origin: germline.
Comment: This sequence change replaces alanine, which is neutral and non-polar, with glycine, which is neutral and non-polar, at codon 1718 of the APC protein (p.Ala1718Gly). This variant is not present in population databases (gnomAD no frequency). This variant has not been reported in the literature in individuals affected with APC-related conditions. Invitae Evidence Modeling of protein sequence and biophysical properties (such as structural, functional, and spatial information, amino acid conservation, physicochemical variation, residue mobility, and thermodynamic stability) indicates that this missense variant is not expected to disrupt APC protein function with a negative predictive value of 95%. In summary, the available evidence is currently insufficient to determine the role of this variant in disease. Therefore, it has been classified as a Variant of Uncertain Significance.

NM_000038.6(APC):c.5153C>G (p.Ala1718Gly)

Gene: APC (APC regulator of Wnt signaling pathway; plus strand). Cytogenetic location: 5q22.2.
Variant type: single nucleotide variant.
Coding change: c.5153C>G on transcript NM_000038.6 (MANE Select); coding-DNA position 5153, C replaced by G.
Protein change: p.Ala1718Gly; replaces alanine 1718 with glycine.
Molecular consequence: missense variant. On other transcripts: non-coding transcript variant (2).
Genome position (GRCh38, 1-based): chr5:112,840,747, C>G. VCF-style: chr5-112840747-C-G. GRCh37 (hg19) VCF-style: chr5-112176444-C-G.
Other names: c.5153C>G, p.Ala1718Gly (NM_001127510.3, NM_001354895.2, NM_001407450.1); c.5099C>G, p.Ala1700Gly (NM_001127511.3); c.5207C>G, p.Ala1736Gly (NM_001354896.2, NM_001407447.1, NM_001407448.1 and 1 more transcripts); c.5183C>G, p.Ala1728Gly (NM_001354897.2); c.5078C>G, p.Ala1693Gly (NM_001354898.2); c.5069C>G, p.Ala1690Gly (NM_001354899.2); c.5030C>G, p.Ala1677Gly (NM_001354900.2); c.4976C>G, p.Ala1659Gly (NM_001354901.2, NM_001407453.1); and 11 more; short protein forms A1435G, A1635G, A1700G, A1718G, A1728G, A1736G, A1592G, A1627G.
Identifiers: ClinVar variation 3635481 (VCV003635481.2).